The following is an entry in ClinVar:

NM_001040108.2(MLH3):c.4243-16T>C

Gene: MLH3 (mutL homolog 3; minus strand). Cytogenetic location: 14q24.3.
Variant type: single nucleotide variant.
Coding change: c.4243-16T>C on transcript NM_001040108.2 (MANE Select); 16 bases into the intron before coding-DNA position 4243, T replaced by C.
Molecular consequence: intron variant.
Genome position (GRCh38, 1-based): chr14:75,017,217, A>G on the plus strand (T>C on the coding strand, the complement: MLH3 is on the minus strand). VCF-style: chr14-75017217-A-G. GRCh37 (hg19) VCF-style: chr14-75483920-A-G.
Other names: c.4171-16T>C (NM_014381.3).
Identifiers: ClinVar variation 2851949 (VCV002851949.4), dbSNP rs2503033527, ClinGen allele CA2575756868.
Genomic context (GRCh38, chr14:75,017,217, plus strand): 5'-CCAGGCCTGGGCCATTTTGCGAAGTTTAGTGAGGTTGGGTTTAATCTATGGGAAGAAAGA[A>G]TAACTTCAATTAGCAATATGAAAAGGTAGGTAGCATACAGGCTGGGCGAGGTGACTCACA-3'

ClinVar aggregate classification (germline): Likely benign. Review status: criteria provided, multiple submitters, no conflicts (2 of 4 stars). 2 submissions from 2 submitters: Likely benign (2). Last evaluated 2026-04-28.

Conditions:
Colorectal cancer, hereditary nonpolyposis, type 7. Identifiers: Orphanet 144, MedGen C1858380, MONDO:0013725, OMIM 614385.

gnomAD v4.1: 1 of 1,612,786 alleles (0.000062%); highest among the groups gnomAD compares: Non-Finnish European, 0.000085%; no homozygotes.

Submissions (2):

Myriad Genetics, Inc.
Classification: Likely benign for Colorectal cancer, hereditary nonpolyposis, type 7. Last evaluated: 2026-04-28. Review status: criteria provided, single submitter. Criteria: Myriad Autosomal Dominant, Autosomal Recessive and X-Linked Classification Criteria (2023). Collection method: clinical testing. Allele origin: unknown.
Comment: This variant is considered likely benign. This variant is intronic and is not expected to impact mRNA splicing.

Labcorp Genetics (formerly Invitae), Labcorp
Classification: Likely benign for Colorectal cancer, hereditary nonpolyposis, type 7. Last evaluated: 2023-11-11. Review status: criteria provided, single submitter. Criteria: Invitae Variant Classification Sherloc (09022015). Collection method: clinical testing. Allele origin: germline.